The following is an entry in ClinVar:

ClinVar aggregate classification (germline): Uncertain significance (1 of 4 stars; one submission).

Conditions:
Hereditary cancer-predisposing syndrome. Also called: Neoplastic Syndromes, Hereditary; Tumor predisposition; Hereditary Cancer Syndrome; Hereditary neoplastic syndrome. Identifiers: Orphanet 140162, MedGen C0027672, MeSH D009386, MONDO:0015356.

Submission:

Ambry Genetics
Classification: Uncertain significance for Hereditary cancer-predisposing syndrome. Last evaluated: 2021-02-03. Review status: criteria provided, single submitter. Criteria: Ambry Variant Classification Scheme 2023. Collection method: clinical testing. Allele origin: germline.
Comment: The p.V683M variant (also known as c.2047G>A), located in coding exon 13 of the BRIP1 gene, results from a G to A substitution at nucleotide position 2047. The valine at codon 683 is replaced by methionine, an amino acid with highly similar properties. This amino acid position is highly conserved in available vertebrate species. In addition, the in silico prediction for this alteration is inconclusive. Since supporting evidence is limited at this time, the clinical significance of this alteration remains unclear.

NM_032043.3(BRIP1):c.2047G>A (p.Val683Met)

Gene: BRIP1 (BRCA1 interacting DNA helicase 1; minus strand). Cytogenetic location: 17q23.2.
Variant type: single nucleotide variant.
Coding change: c.2047G>A on transcript NM_032043.3 (MANE Select); coding-DNA position 2047, G replaced by A.
Protein change: p.Val683Met; replaces valine 683 with methionine.
Molecular consequence: missense variant.
Genome position (GRCh38, 1-based): chr17:61,776,451, C>T on the plus strand (G>A on the coding strand, the complement: BRIP1 is on the minus strand). VCF-style: chr17-61776451-C-T. GRCh37 (hg19) VCF-style: chr17-59853812-C-T.
Other names: short protein forms V683M.
Identifiers: ClinVar variation 1784991 (VCV001784991.2), dbSNP rs773347072, ClinGen allele CA400478186.